The following is an entry in ClinVar:

ClinVar aggregate classification (germline): Benign/Likely benign. Review status: criteria provided, multiple submitters, no conflicts (2 of 4 stars). 7 submissions from 3 submitters: Benign (5); Likely benign (2). Last evaluated 2021-12-05.

Conditions:
Alternating hemiplegia of childhood 1 (AHC1). Identifiers: Orphanet 2131, MedGen C3549447, MONDO:0007087, OMIM 104290.
Fetal akinesia, respiratory insufficiency, microcephaly, polymicrogyria, and dysmorphic facies. Identifiers: MedGen C5562015, MONDO:0859204, OMIM 619602.
Developmental and epileptic encephalopathy 98. Identifiers: MedGen C5562017, MONDO:0030472, OMIM 619605.
Migraine, familial hemiplegic, 2. Identifiers: Orphanet 569, MedGen C1865322, MONDO:0011232, OMIM 602481.

Allele frequency attached by ClinVar (database versions not stated): TOPMed 0.00004; gnomAD 0.00007 and 0.00019; gnomAD exomes 0.00017 and 0.00025; ExAC 0.00024; 1000 Genomes Project 30x 0.00078; 1000 Genomes Project 0.00100.
gnomAD v4.1: 384 of 1,614,000 alleles (0.024%); highest among the groups gnomAD compares: East Asian, 0.75%; 2 homozygotes.

Submissions (7):

Genome-Nilou Lab
Classification: Benign for Alternating hemiplegia of childhood 1. Last evaluated: 2021-12-05. Review status: criteria provided, single submitter. Criteria: ACMG Guidelines, 2015. Collection method: clinical testing. Allele origin: germline. Affected: no.

Genome-Nilou Lab
Classification: Benign for Developmental and epileptic encephalopathy 98. Last evaluated: 2021-12-05. Review status: criteria provided, single submitter. Criteria: ACMG Guidelines, 2015. Collection method: clinical testing. Allele origin: germline. Affected: no.

Genome-Nilou Lab
Classification: Benign for Fetal akinesia, respiratory insufficiency, microcephaly, polymicrogyria, and dysmorphic facies. Last evaluated: 2021-12-05. Review status: criteria provided, single submitter. Criteria: ACMG Guidelines, 2015. Collection method: clinical testing. Allele origin: germline. Affected: no.

Genome-Nilou Lab
Classification: Benign for Migraine, familial hemiplegic, 2. Last evaluated: 2021-12-05. Review status: criteria provided, single submitter. Criteria: ACMG Guidelines, 2015. Collection method: clinical testing. Allele origin: germline. Affected: no.

Illumina Laboratory Services, Illumina
Classification: Benign for Alternating hemiplegia of childhood 1. Last evaluated: 2018-01-13. Review status: criteria provided, single submitter. Criteria: ICSL Variant Classification Criteria 13 December 2019. Collection method: clinical testing. Allele origin: germline.
Comment: This variant was observed in the ICSL laboratory as part of a predisposition screen in an ostensibly healthy population. It had not been previously curated by ICSL or reported in the Human Gene Mutation Database (HGMD: prior to June 1st, 2018), and was therefore a candidate for classification through an automated scoring system. Utilizing variant allele frequency, disease prevalence and penetrance estimates, and inheritance mode, an automated score was calculated to assess if this variant is too frequent to cause the disease. Based on the score and internal cut-off values, a variant classified as benign is not then subjected to further curation. The score for this variant resulted in a classification of benign for this disease.

Illumina Laboratory Services, Illumina
Classification: Likely benign for Migraine, familial hemiplegic, 2. Last evaluated: 2018-01-13. Review status: criteria provided, single submitter. Criteria: ICSL Variant Classification Criteria 13 December 2019. Collection method: clinical testing. Allele origin: germline.
Comment: This variant was observed in the ICSL laboratory as part of a predisposition screen in an ostensibly healthy population. It had not been previously curated by ICSL or reported in the Human Gene Mutation Database (HGMD: prior to June 1st, 2018), and was therefore a candidate for classification through an automated scoring system. Utilizing variant allele frequency, disease prevalence and penetrance estimates, and inheritance mode, an automated score was calculated to assess if this variant is too frequent to cause the disease. Based on the score and internal cut-off values, a variant classified as likely benign is not then subjected to further curation. The score for this variant resulted in a classification of likely benign for this disease.

GeneDx
Classification: Likely benign. Last evaluated: 2017-06-08. Review status: criteria provided, single submitter. Criteria: GeneDx Variant Classification Process June 2021. Collection method: clinical testing. Allele origin: germline. Affected: yes.

NM_000702.4(ATP1A2):c.*15G>A

Gene: ATP1A2 (ATPase Na+/K+ transporting subunit alpha 2; plus strand). Cytogenetic location: 1q23.2.
Variant type: single nucleotide variant.
Coding change: c.*15G>A on transcript NM_000702.4 (MANE Select); 15 bases downstream of the stop codon, G replaced by A.
Molecular consequence: 3 prime UTR variant.
Genome position (GRCh38, 1-based): chr1:160,141,337, G>A. VCF-style: chr1-160141337-G-A. GRCh37 (hg19) VCF-style: chr1-160111127-G-A.
Identifiers: ClinVar variation 874811 (VCV000874811.6), dbSNP rs187737212, ClinGen allele CA1194937.
Genomic context (GRCh38, chr1:160,141,337, plus strand): 5'-CCCAATCTCTCTAACAGGCTGGGTGGAGAAGGAGACATACTACTGACCCCATTGGAAGAA[G>A]AACCAGGCATGGAAAGATGGGGAGCTCTGGAGGTGTTGTGGGGATGGTGATGGAGAGGGA-3'